The following is an entry in ClinVar:

NC_000014.8:g.(?_91760517)_(91846247_?)dup

Gene: CCDC88C (coiled-coil domain containing 88C; minus strand). Cytogenetic location: 14q32.11.
Variant type: Duplication.
Identifiers: ClinVar variation 2423636 (VCV002423636.3).

ClinVar aggregate classification (germline): Likely pathogenic (1 of 4 stars; one submission).

Submission:

Labcorp Genetics (formerly Invitae), Labcorp
Classification: Likely pathogenic. Last evaluated: 2022-06-28. Review status: criteria provided, single submitter. Criteria: Invitae Variant Classification Sherloc (09022015). Collection method: clinical testing. Allele origin: germline.
Comment: This variant results in a copy number gain of the genomic region encompassing exon(s) 4-23 of the CCDC88C gene. While the exact position of this variant cannot be determined from the data, sub-genic copy number gains are generally in tandem (PMID: 25640679). This variant is predicted to be out-of-frame, and may result in an absent or disrupted protein product. Loss-of-function variants in CCDC88C are known to be pathogenic (PMID: 23042809, 29225145). This variant has not been reported in the literature in individuals affected with CCDC88C-related conditions. In summary, the currently available evidence indicates that the variant is pathogenic, but additional data are needed to prove that conclusively. Therefore, this variant has been classified as Likely Pathogenic.

Literature cited by the submitters: PubMed 25640679; PubMed 23042809; PubMed 29225145.